The following is an entry in ClinVar:

ClinVar aggregate classification (germline): Uncertain significance. Review status: criteria provided, multiple submitters, no conflicts (2 of 4 stars). 2 submissions from 2 submitters: Uncertain significance (2). Last evaluated 2025-10-02.

Allele frequency attached by ClinVar (database versions not stated): TOPMed 0.00002; ExAC 0.00003; gnomAD 0.00003; 1000 Genomes Project 30x 0.00016; 1000 Genomes Project 0.00020.
gnomAD v4.1: 40 of 1,613,680 alleles (0.0025%); highest among the groups gnomAD compares: East Asian, 0.056%; no homozygotes.

Submissions (2):

Labcorp Genetics (formerly Invitae), Labcorp
Classification: Uncertain significance. Last evaluated: 2025-10-02. Review status: criteria provided, single submitter. Criteria: Invitae Variant Classification Sherloc (09022015). Collection method: clinical testing. Allele origin: germline.
Comment: This sequence change replaces arginine, which is basic and polar, with tryptophan, which is neutral and slightly polar, at codon 877 of the LRP5 protein (p.Arg877Trp). This variant is present in population databases (rs200501120, gnomAD 0.02%). This variant has not been reported in the literature in individuals affected with LRP5-related conditions. ClinVar contains an entry for this variant (Variation ID: 1981531). Invitae Evidence Modeling of protein sequence and biophysical properties (such as structural, functional, and spatial information, amino acid conservation, physicochemical variation, residue mobility, and thermodynamic stability) indicates that this missense variant is not expected to disrupt LRP5 protein function with a negative predictive value of 95%. In summary, the available evidence is currently insufficient to determine the role of this variant in disease. Therefore, it has been classified as a Variant of Uncertain Significance.

Blueprint Genetics
Classification: Uncertain significance. Last evaluated: 2023-09-22. Review status: criteria provided, single submitter. Criteria: ACMG Guidelines, 2015. Collection method: clinical testing. Allele origin: germline.

NM_002335.4(LRP5):c.2629C>T (p.Arg877Trp)

Gene: LRP5 (LDL receptor related protein 5; plus strand). Cytogenetic location: 11q13.2.
Variant type: single nucleotide variant.
Coding change: c.2629C>T on transcript NM_002335.4 (MANE Select); coding-DNA position 2629, C replaced by T.
Protein change: p.Arg877Trp; replaces arginine 877 with tryptophan.
Molecular consequence: missense variant.
Genome position (GRCh38, 1-based): chr11:68,413,814, C>T. VCF-style: chr11-68413814-C-T. GRCh37 (hg19) VCF-style: chr11-68181282-C-T.
Other names: c.886C>T, p.Arg296Trp (NM_001291902.2); short protein forms R296W, R877W.
Identifiers: ClinVar variation 1981531 (VCV001981531.5), dbSNP rs200501120, ClinGen allele CA6149703.